The following is an entry in ClinVar:

NM_000051.4(ATM):c.3725C>A (p.Thr1242Lys)

Gene: ATM (ATM serine/threonine kinase; plus strand). Cytogenetic location: 11q22.3.
Variant type: single nucleotide variant.
Coding change: c.3725C>A on transcript NM_000051.4 (MANE Select); coding-DNA position 3725, C replaced by A.
Protein change: p.Thr1242Lys; replaces threonine 1242 with lysine.
Molecular consequence: missense variant.
Genome position (GRCh38, 1-based): chr11:108,282,858, C>A. VCF-style: chr11-108282858-C-A. GRCh37 (hg19) VCF-style: chr11-108153585-C-A.
Other names: c.3725C>A, p.Thr1242Lys (NM_001351834.2); short protein forms T1242K.
Identifiers: ClinVar variation 582601 (VCV000582601.6), dbSNP rs1266811647, ClinGen allele CA382523770.

ClinVar aggregate classification (germline): Uncertain significance (1 of 4 stars; one submission).

Conditions:
Ataxia-telangiectasia syndrome (AT). Also called: Ataxia-telangiectasia, complementation group D; AT, COMPLEMENTATION GROUP C; Ataxia-telangiectasia, complementation group E; Cerebello-oculocutaneous telangiectasia; Immunodeficiency with ataxia telangiectasia; ATAXIA-TELANGIECTASIA, COMPLEMENTATION GROUP A. Identifiers: Orphanet 100, MedGen C0004135, MONDO:0008840, OMIM 208900.

Submission:

Labcorp Genetics (formerly Invitae), Labcorp
Classification: Uncertain significance for Ataxia-telangiectasia syndrome. Last evaluated: 2021-08-26. Review status: criteria provided, single submitter. Criteria: Invitae Variant Classification Sherloc (09022015). Collection method: clinical testing. Allele origin: germline.
Comment: This sequence change replaces threonine with lysine at codon 1242 of the ATM protein (p.Thr1242Lys). The threonine residue is moderately conserved and there is a moderate physicochemical difference between threonine and lysine. This variant is not present in population databases (ExAC no frequency). This variant has not been reported in the literature in individuals affected with ATM-related conditions. Algorithms developed to predict the effect of missense changes on protein structure and function output the following: SIFT: "Deleterious"; PolyPhen-2: "Benign"; Align-GVGD: "Class C0". The lysine amino acid residue is found in multiple mammalian species, which suggests that this missense change does not adversely affect protein function. In summary, the available evidence is currently insufficient to determine the role of this variant in disease. Therefore, it has been classified as a Variant of Uncertain Significance.